The following is an entry in ClinVar:

ClinVar aggregate classification (germline): Uncertain significance. Review status: criteria provided, multiple submitters, no conflicts (2 of 4 stars). 3 submissions from 3 submitters: Uncertain significance (3). Last evaluated 2025-10-20.

Allele frequency attached by ClinVar (database versions not stated): TOPMed 0.00002; gnomAD 0.00004; 1000 Genomes Project 30x 0.00016.
gnomAD v4.1: 19 of 1,612,670 alleles (0.0012%); highest among the groups gnomAD compares: Non-Finnish European, 0.0014%; no homozygotes.

Submissions (3):

Labcorp Genetics (formerly Invitae), Labcorp
Classification: Uncertain significance. Last evaluated: 2025-10-20. Review status: criteria provided, single submitter. Criteria: Invitae Variant Classification Sherloc (09022015). Collection method: clinical testing. Allele origin: germline.
Comment: This sequence change replaces threonine, which is neutral and polar, with alanine, which is neutral and non-polar, at codon 108 of the JAK2 protein (p.Thr108Ala). This variant is present in population databases (no rsID available, gnomAD 0.002%). This missense change has been observed in individual(s) with polycythemia vera (PMID: 27647865). ClinVar contains an entry for this variant (Variation ID: 2136729). An algorithm developed to predict the effect of missense changes on protein structure and function outputs the following: PolyPhen-2: "Benign". The alanine amino acid residue is found in multiple mammalian species, which suggests that this missense change does not adversely affect protein function. Experimental studies have shown that this missense change affects JAK2 function (PMID: 27647865). In summary, the available evidence is currently insufficient to determine the role of this variant in disease. Therefore, it has been classified as a Variant of Uncertain Significance.

Women's Health and Genetics/Laboratory Corporation of America, LabCorp
Classification: Uncertain significance. Last evaluated: 2024-05-10. Review status: criteria provided, single submitter. Criteria: LabCorp Variant Classification Summary - May 2015. Collection method: clinical testing. Allele origin: germline.
Comment: Variant summary: JAK2 c.322A>G (p.Thr108Ala) results in a non-conservative amino acid change located in the FERM domain (IPR000299) of the encoded protein sequence. Three of five in-silico tools predict a benign effect of the variant on protein function. The variant allele was found at a frequency of 4e-06 in 250094 control chromosomes. The available data on variant occurrences in the general population are insufficient to allow any conclusion about variant significance. c.322A>G has been reported in the literature in cis with pathogenic V617F in one individual affected with polycythemia vera (Lanikova_2016), providing supporting evidence for a benign role. At least one publication reports experimental evidence evaluating an impact on protein function, however, does not allow convincing conclusions about the variant effect (Lanikova_2016). The following publication have been ascertained in the context of this evaluation (PMID: 27647865). ClinVar contains an entry for this variant (Variation ID: 2136729). Based on the evidence outlined above, the variant was classified as uncertain significance.

CeGaT Center for Human Genetics Tuebingen
Classification: Uncertain significance. Last evaluated: 2023-02-01. Review status: criteria provided, single submitter. Criteria: CeGaT Center For Human Genetics Tuebingen Variant Classification Criteria Version 2. Collection method: clinical testing. Allele origin: germline. Affected: yes. Observed: 1 variant allele.
Comment: JAK2: PS3:Supporting, PS4:Supporting, BP4

Literature cited by the submitters: PubMed 27647865 (cited by Labcorp Genetics (formerly Invitae), Labcorp and Women's Health and Genetics/Laboratory Corporation of America, LabCorp).

NM_004972.4(JAK2):c.322A>G (p.Thr108Ala)

Genes: JAK2 (Janus kinase 2; plus strand), INSL6 (insulin like 6; minus strand). Cytogenetic location: 9p24.1.
Variant type: single nucleotide variant.
Coding change: c.322A>G on transcript NM_004972.4 (MANE Select); coding-DNA position 322, A replaced by G.
Protein change: p.Thr108Ala; replaces threonine 108 with alanine.
Molecular consequence: missense variant. On other transcripts: 5 prime UTR variant (2), non-coding transcript variant (2).
Genome position (GRCh38, 1-based): chr9:5,029,878, A>G. VCF-style: chr9-5029878-A-G. GRCh37 (hg19) VCF-style: chr9-5029878-A-G.
Other names: c.322A>G, p.Thr108Ala (NM_001322194.2, NM_001322195.2, NM_001322196.2); c.-799A>G (NM_001322198.2, NM_001322199.2); short protein forms T108A.
Identifiers: ClinVar variation 2136729 (VCV002136729.29), dbSNP rs751548297, ClinGen allele CA188413687.